The following is an entry in ClinVar:

ClinVar aggregate classification (germline): Likely pathogenic (1 of 4 stars; one submission).

Conditions:
Granulomatous disease, chronic, autosomal recessive, cytochrome b-positive, type 2. Also called: Chronic Granulomatous Disease, Autosomal Recessive, Cytochrome b-Positive, Type II; GRANULOMATOUS DISEASE, CHRONIC, AUTOSOMAL RECESSIVE, 2; Chronic granulomatous disease due to deficiency of NCF-2; CGD, AUTOSOMAL RECESSIVE CYTOCHROME b-POSITIVE, TYPE II; GRANULOMATOUS DISEASE, CHRONIC, DUE TO NCF2 DEFICIENCY. Identifiers: Orphanet 379, MedGen C1856245, MONDO:0009310, OMIM 233710.

Submission:

Juno Genomics, Hangzhou Juno Genomics, Inc
Classification: Likely pathogenic for Granulomatous disease, chronic, autosomal recessive, cytochrome b-positive, type 2. Review status: criteria provided, single submitter. Criteria: ACMG Guidelines, 2015. Collection method: clinical testing. Allele origin: germline. Affected: yes.
Comment: Absent from controls (or at extremely low frequency if recessive) in Genome Aggregation Database, Exome Sequencing Project, 1000 Genomes Project, or Exome Aggregation Consortium.;Null variant in a gene where loss of function (LOF) is a known mechanism of disease.

NM_000433.4(NCF2):c.196_197insA (p.Arg66fs)

Gene: NCF2 (neutrophil cytosolic factor 2; minus strand). Cytogenetic location: 1q25.3.
Variant type: Insertion.
Coding change: c.196_197insA on transcript NM_000433.4 (MANE Select); coding-DNA positions 196 to 197, A inserted.
Protein change: p.Arg66fs; shifts the reading frame from arginine 66.
Molecular consequence: frameshift variant.
Genome position: GRCh38 VCF-style: chr1-183586955-C-CT. GRCh37 (hg19) VCF-style: chr1-183556090-C-CT.
Other names: c.196_197insA, p.Arg66fs (NM_001127651.3, NM_001190789.2, NM_001190794.2 and 1 more transcripts); short protein forms R66fs.
Identifiers: ClinVar variation 3382464 (VCV003382464.2).